The following is an entry in ClinVar:

NM_002382.5(MAX):c.350C>T (p.Ser117Phe)

Gene: MAX (MYC associated transcriptional regulator X; minus strand). Cytogenetic location: 14q23.3.
Variant type: single nucleotide variant.
Coding change: c.350C>T on transcript NM_002382.5 (MANE Select); coding-DNA position 350, C replaced by T.
Protein change: p.Ser117Phe; replaces serine 117 with phenylalanine.
Molecular consequence: missense variant. On other transcripts: 3 prime UTR variant (1), intron variant (2).
Genome position (GRCh38, 1-based): chr14:65,076,609, G>A on the plus strand (C>T on the coding strand, the complement: MAX is on the minus strand). VCF-style: chr14-65076609-G-A. GRCh37 (hg19) VCF-style: chr14-65543327-G-A.
Other names: c.161C>T, p.Ser54Phe (NM_001320415.2, NM_001407105.1, NM_001407106.1 and 1 more transcripts); c.350C>T, p.Ser117Phe (NM_001407094.1); c.323C>T, p.Ser108Phe (NM_001407095.1, NM_145112.3); c.*123C>T (NM_001407096.1, NM_001407099.1, NM_001407102.1 and 2 more transcripts); c.*139C>T (NM_001407097.1, NM_001407100.1, NM_001407101.1 and 4 more transcripts); c.242C>T, p.Ser81Phe (NM_001407098.1); c.149C>T, p.Ser50Phe (NM_001407111.1, NM_001407112.1); c.144+17099C>T (NM_001271069.2); and 1 more; short protein forms S108F, S117F, S54F, S50F, S81F.
Identifiers: ClinVar variation 1377922 (VCV001377922.8), dbSNP rs2139741158, ClinGen allele CA390031819.
Genomic context (GRCh38, chr14:65,076,609, plus strand): 5'-CCCCCATCGAAGGCAGAGATGGTGCTGCCCTTGGCGTTGGTGTAGAGGCTGTTGTCTGAG[G>A]AGGGGTAGTTGGTCTGCAGTTGGGCACTTGACCTCGCCTTCTCCAGTGCACGGACTAAAA-3'
Protein context (NP_002373.3, residues 107-127): SSAQLQTNYP[Ser117Phe]SDNSLYTNAK

ClinVar aggregate classification (germline): Uncertain significance. Review status: criteria provided, multiple submitters, no conflicts (2 of 4 stars). 2 submissions from 2 submitters: Uncertain significance (2). Last evaluated 2026-07-06.

Conditions:
Hereditary cancer-predisposing syndrome. Also called: Hereditary Cancer Syndrome; Neoplastic Syndromes, Hereditary; Hereditary neoplastic syndrome; Tumor predisposition. Identifiers: Orphanet 140162, MedGen C0027672, MeSH D009386, MONDO:0015356.
Hereditary pheochromocytoma and paraganglioma. Also called: Hereditary pheochromocytoma-paraganglioma; Hereditary Paraganglioma-Pheochromocytoma Syndromes; Hereditary paragangliomas and pheochromocytomas. Identifiers: Orphanet 29072, MedGen C4274332, MONDO:0017366.

Submissions (2):

Ambry Genetics
Classification: Uncertain significance for Hereditary cancer-predisposing syndrome. Last evaluated: 2026-07-06. Review status: criteria provided, single submitter. Criteria: Ambry Variant Classification Scheme 2023. Collection method: clinical testing. Allele origin: germline.
Comment: The p.S117F variant (also known as c.350C>T), located in coding exon 5 of the MAX gene, results from a C to T substitution at nucleotide position 350. The serine at codon 117 is replaced by phenylalanine, an amino acid with highly dissimilar properties. This amino acid position is conserved. In addition, this alteration is predicted to be tolerated by in silico analysis. Based on the available evidence, the clinical significance of this variant remains unclear.

Labcorp Genetics (formerly Invitae), Labcorp
Classification: Uncertain significance for Hereditary pheochromocytoma and paraganglioma. Last evaluated: 2021-08-27. Review status: criteria provided, single submitter. Criteria: Invitae Variant Classification Sherloc (09022015). Collection method: clinical testing. Allele origin: germline.
Comment: In summary, the available evidence is currently insufficient to determine the role of this variant in disease. Therefore, it has been classified as a Variant of Uncertain Significance. Algorithms developed to predict the effect of missense changes on protein structure and function are either unavailable or do not agree on the potential impact of this missense change (SIFT: "Deleterious"; PolyPhen-2: "Benign"; Align-GVGD: "Class C0"). This variant has not been reported in the literature in individuals affected with MAX-related conditions. This variant is not present in population databases (ExAC no frequency). This sequence change replaces serine with phenylalanine at codon 117 of the MAX protein (p.Ser117Phe). The serine residue is highly conserved and there is a large physicochemical difference between serine and phenylalanine.